The following is an entry in ClinVar:

NM_000059.4(BRCA2):c.410del (p.Ser137fs)

Gene: BRCA2 (BRCA2 DNA repair associated; plus strand). Cytogenetic location: 13q13.1.
Variant type: Deletion.
Coding change: c.410del on transcript NM_000059.4 (MANE Select); coding-DNA position 410, one base deleted (C; older notation c.410delC).
Protein change: p.Ser137fs; shifts the reading frame from serine 137.
Molecular consequence: frameshift variant.
Genome position (GRCh38, 1-based): chr13:32,325,169, C deleted. VCF-style (leftmost placement, unchanged base first): chr13-32325168-TC-T. GRCh37 (hg19) VCF-style: chr13-32899305-TC-T.
Other names: 638delC; c.410delC (NM_000059.3); short protein forms S137fs.
Identifiers: ClinVar variation 51598 (VCV000051598.4), dbSNP rs80359427, ClinGen allele CA019541.

ClinVar aggregate classification (germline): Pathogenic. Review status: reviewed by expert panel (3 of 4 stars). 2 submissions from 2 submitters: Pathogenic (1). 1 of the submissions does not count toward it. Last evaluated 2016-09-08.

Conditions:
Breast-ovarian cancer, familial, susceptibility to, 2 (BROVCA2). Also called: BRCA2 Hereditary Breast and Ovarian Cancer. Identifiers: Orphanet 145, MedGen C2675520, MONDO:0012933, OMIM 612555. Disease mechanism: loss of function.

Submissions (2):

Evidence-based Network for the Interpretation of Germline Mutant Alleles (ENIGMA)
Classification: Pathogenic for Breast-ovarian cancer, familial, susceptibility to, 2. Last evaluated: 2016-09-08. Review status: reviewed by expert panel. Criteria: ENIGMA BRCA1/2 Classification Criteria (2015). Collection method: curation. Allele origin: germline.
Comment: Variant allele predicted to encode a truncated non-functional protein.

Breast Cancer Information Core (BIC) (BRCA2)
Classification: Pathogenic for Breast-ovarian cancer, familial 2. Last evaluated: 2003-12-23. Review status: no assertion criteria provided. Collection method: clinical testing. Allele origin: germline. Affected: yes. Observed: 1 variant allele. Not counted in ClinVar's aggregate classification.